The following is an entry in ClinVar:

ClinVar aggregate classification (germline): Uncertain significance (1 of 4 stars; one submission).

Submission:

Labcorp Genetics (formerly Invitae), Labcorp
Classification: Uncertain significance. Last evaluated: 2025-09-07. Review status: criteria provided, single submitter. Criteria: Invitae Variant Classification Sherloc (09022015). Collection method: clinical testing. Allele origin: germline.
Comment: This variant, c.2367_2372dup, results in the insertion of 2 amino acid(s) of the SYNPO protein (p.Pro799_Pro800dup), but otherwise preserves the integrity of the reading frame. The frequency data for this variant in the population databases is considered unreliable, as metrics indicate insufficient coverage at this position in the gnomAD database. This variant has not been reported in the literature in individuals affected with SYNPO-related conditions. In summary, the available evidence is currently insufficient to determine the role of this variant in disease. Therefore, it has been classified as a Variant of Uncertain Significance.

NM_007286.6(SYNPO):c.2367_2372dup (p.Pro800_Arg801insProPro)

Gene: SYNPO (synaptopodin; plus strand). Cytogenetic location: 5q33.1.
Variant type: Duplication.
Coding change: c.2367_2372dup on transcript NM_007286.6 (MANE Select); coding-DNA positions 2367 to 2372, 6 bases duplicated (ACCGCC; older notation c.2367_2372dupACCGCC).
Protein change: p.Pro800_Arg801insProPro.
Molecular consequence: inframe insertion.
Genome position (GRCh38, 1-based): chr5:150,656,742-150,656,747, ACCGCC duplicated; duplicating any 6 consecutive bases within chr5:150,656,738-150,656,747 gives the same sequence; the c. name uses the placement nearest the transcript's 3' end. VCF-style (leftmost placement, unchanged base first): chr5-150656737-G-GCGCCAC. GRCh37 (hg19) VCF-style: chr5-150036299-G-GCGCCAC.
Identifiers: ClinVar variation 4747693 (VCV004747693.1).